The following is an entry in ClinVar:

NM_005045.4(RELN):c.8425G>A (p.Val2809Ile)

Genes: SLC26A5-AS1 (SLC26A5 antisense RNA 1; plus strand), RELN (reelin; minus strand). Cytogenetic location: 7q22.1.
Variant type: single nucleotide variant.
Coding change: c.8425G>A on transcript NM_005045.4 (MANE Select); coding-DNA position 8425, G replaced by A.
Protein change: p.Val2809Ile; replaces valine 2809 with isoleucine.
Molecular consequence: missense variant.
Genome position (GRCh38, 1-based): chr7:103,503,080, C>T on the plus strand (G>A on the coding strand, the complement: RELN is on the minus strand). VCF-style: chr7-103503080-C-T. GRCh37 (hg19) VCF-style: chr7-103143527-C-T.
Other names: c.8425G>A (NM_005045.3); c.8425G>A, p.Val2809Ile (NM_173054.3); short protein forms V2809I.
Identifiers: ClinVar variation 1518733 (VCV001518733.9), dbSNP rs377669512, ClinGen allele CA4420479.
Genomic context (GRCh38, chr7:103,503,080, plus strand): 5'-CCACTAAGCTTTCAGGAAGTGGGTAGGTGATCCTTTTCCACCCTTTAGTTGGAAAGAATA[C>T]AGATGGCTGAGAAACACTTCCAGAGCATTTTGGGTCAGCAGGCAAGCACTGAGGGACCAG-3'
Protein context (NP_005036.2, residues 2799-2819): KCSGSVSQPS[Val2809Ile]FFPTKGWKRI

ClinVar aggregate classification (germline): Likely benign. Review status: criteria provided, single submitter (1 of 4 stars). 2 submissions from 2 submitters: Likely benign (1). 1 of the submissions does not count toward it. Last evaluated 2024-01-22.

Conditions:
RELN-related disorder. Also called: RELN-related condition.
Familial temporal lobe epilepsy 7. Identifiers: Orphanet 101046, MedGen C4225327, MONDO:0014639, OMIM 616436.
Norman-Roberts syndrome (LIS2). Also called: Lissencephaly 2 (Norman-Roberts type). Identifiers: Orphanet 89844, MedGen C0796089, MONDO:0009760, OMIM 257320.

Allele frequency attached by ClinVar (database versions not stated): gnomAD exomes below 0.00001 and 0.00001; ExAC 0.00001; gnomAD 0.00001 and 0.00002; TOPMed 0.00002; ESP Exome Variant Server 0.00008.
gnomAD v4.1: 7 of 1,614,032 alleles (0.00043%); highest among the groups gnomAD compares: African/African-American, 0.0067%; no homozygotes.

Submissions (2):

Labcorp Genetics (formerly Invitae), Labcorp
Classification: Likely benign for Familial temporal lobe epilepsy 7; Norman-Roberts syndrome. Last evaluated: 2024-01-22. Review status: criteria provided, single submitter. Criteria: Invitae Variant Classification Sherloc (09022015). Collection method: clinical testing. Allele origin: germline.

PreventionGenetics, part of Exact Sciences
Classification: Uncertain significance for RELN-related condition. Last evaluated: 2024-03-11. Review status: no assertion criteria provided. Collection method: clinical testing. Allele origin: germline. Not counted in ClinVar's aggregate classification.
Comment: The RELN c.8425G>A variant is predicted to result in the amino acid substitution p.Val2809Ile. To our knowledge, this variant has not been reported in the literature. This variant is reported in 0.016% of alleles in individuals of African descent in gnomAD. At this time, the clinical significance of this variant is uncertain due to the absence of conclusive functional and genetic evidence.